The following is an entry in ClinVar:

ClinVar aggregate classification (germline): Likely benign. Review status: criteria provided, multiple submitters, no conflicts (2 of 4 stars). 4 submissions from 4 submitters: Likely benign (4). Last evaluated 2026-01-30.

Conditions:
Diamond-Blackfan anemia. Also called: Aase syndrome; Blackfan Diamond syndrome; Aregenerative anemia chronic congenital; Red cell aplasia, pure hereditary; Congenital hypoplastic anemia. Identifiers: Orphanet 124, MedGen C1260899, MeSH D029503, MONDO:0015253, HP:0004810.
Diamond-Blackfan anemia 7 (DBA7). Also called: RPL11-Related Diamond-Blackfan Anemia. Identifiers: Orphanet 124, MedGen C2675512, MONDO:0012938, OMIM 612562.

Allele frequency attached by ClinVar (database versions not stated): TOPMed 0.00014; ESP Exome Variant Server 0.00015; gnomAD 0.00022.

Submissions (4):

Labcorp Genetics (formerly Invitae), Labcorp
Classification: Likely benign for Diamond-Blackfan anemia. Last evaluated: 2026-01-30. Review status: criteria provided, single submitter. Criteria: Invitae Variant Classification Sherloc (09022015). Collection method: clinical testing. Allele origin: germline.

Blueprint Genetics
Classification: Likely benign. Last evaluated: 2024-09-09. Review status: criteria provided, single submitter. Criteria: ACMG Guidelines, 2015. Collection method: clinical testing. Allele origin: germline.

Illumina Laboratory Services, Illumina
Classification: Likely benign for Diamond-Blackfan anemia 7. Last evaluated: 2018-01-12. Review status: criteria provided, single submitter. Criteria: ICSL Variant Classification Criteria 13 December 2019. Collection method: clinical testing. Allele origin: germline.
Comment: This variant was observed in the ICSL laboratory as part of a predisposition screen in an ostensibly healthy population. It had not been previously curated by ICSL or reported in the Human Gene Mutation Database (HGMD: prior to June 1st, 2018), and was therefore a candidate for classification through an automated scoring system. Utilizing variant allele frequency, disease prevalence and penetrance estimates, and inheritance mode, an automated score was calculated to assess if this variant is too frequent to cause the disease. Based on the score and internal cut-off values, a variant classified as likely benign is not then subjected to further curation. The score for this variant resulted in a classification of likely benign for this disease.

Ambry Genetics
Classification: Likely benign for Diamond-Blackfan anemia. Last evaluated: 2016-02-02. Review status: criteria provided, single submitter. Criteria: Ambry Variant Classification Scheme 2023. Collection method: clinical testing. Allele origin: germline.

NM_000975.5(RPL11):c.102G>A (p.Thr34=)

Gene: RPL11 (ribosomal protein L11; plus strand). Cytogenetic location: 1p36.11.
Variant type: single nucleotide variant.
Coding change: c.102G>A on transcript NM_000975.5 (MANE Select); coding-DNA position 102, G replaced by A.
Protein change: p.Thr34=; no amino-acid change (threonine 34 retained).
Molecular consequence: synonymous variant.
Genome position (GRCh38, 1-based): chr1:23,692,704, G>A. VCF-style: chr1-23692704-G-A. GRCh37 (hg19) VCF-style: chr1-24019194-G-A.
Other names: c.102G>A, p.Thr34= (LRG_1140t1); c.99G>A, p.Thr33= (NM_001199802.1).
Identifiers: ClinVar variation 296816 (VCV000296816.19), dbSNP rs199772693, ClinGen allele CA684168.